The following is an entry in ClinVar:

ClinVar aggregate classification (germline): Pathogenic. Review status: criteria provided, single submitter (1 of 4 stars). 2 submissions from 2 submitters: Pathogenic (1). 1 of the submissions does not count toward it. Last evaluated 2025-01-15.

Conditions:
Neuronal ceroid lipofuscinosis 2. Also called: JANSKY-BIELSCHOWSKY DISEASE NEURONAL CEROID LIPOFUSCINOSIS, LATE INFANTILE; TPP1-Related Neuronal Ceroid-Lipofuscinosis. Identifiers: Orphanet 168491, Orphanet 228349, Orphanet 79264, MedGen C1876161, MONDO:0008769, OMIM 204500.

Submissions (2):

Labcorp Genetics (formerly Invitae), Labcorp
Classification: Pathogenic. Last evaluated: 2025-01-15. Review status: criteria provided, single submitter. Criteria: Invitae Variant Classification Sherloc (09022015). Collection method: clinical testing. Allele origin: germline.
Comment: This sequence change affects an acceptor splice site in intron 8 of the TPP1 gene. It is expected to disrupt RNA splicing. Variants that disrupt the donor or acceptor splice site typically lead to a loss of protein function (PMID: 16199547), and loss-of-function variants in TPP1 are known to be pathogenic (PMID: 10330339). This variant is not present in population databases (gnomAD no frequency). Disruption of this splice site has been observed in individuals with clinical features of neuronal ceroid lipofuscinosis (PMID: 33604240). ClinVar contains an entry for this variant (Variation ID: 551267). Algorithms developed to predict the effect of sequence changes on RNA splicing suggest that this variant may disrupt the consensus splice site. For these reasons, this variant has been classified as Pathogenic.

Counsyl
Classification: Likely pathogenic for Neuronal ceroid lipofuscinosis 2. Last evaluated: 2017-03-28. Review status: no assertion criteria provided. Collection method: clinical testing. Allele origin: unknown. Not counted in ClinVar's aggregate classification.

Literature cited by the submitters: PubMed 16199547 (cited by Labcorp Genetics (formerly Invitae), Labcorp); PubMed 10330339 (cited by Labcorp Genetics (formerly Invitae), Labcorp); PubMed 33604240 (cited by Labcorp Genetics (formerly Invitae), Labcorp).

NM_000391.4(TPP1):c.1076-1G>A

Gene: TPP1 (tripeptidyl peptidase 1; minus strand). Cytogenetic location: 11p15.4.
Variant type: single nucleotide variant.
Coding change: c.1076-1G>A on transcript NM_000391.4 (MANE Select); the canonical splice acceptor site of the intron before coding-DNA position 1076, G replaced by A.
Molecular consequence: splice acceptor variant.
Genome position (GRCh38, 1-based): chr11:6,616,075, C>T on the plus strand (G>A on the coding strand, the complement: TPP1 is on the minus strand). VCF-style: chr11-6616075-C-T. GRCh37 (hg19) VCF-style: chr11-6637306-C-T.
Identifiers: ClinVar variation 551267 (VCV000551267.10), dbSNP rs1554901731, ClinGen allele CA379473915.